The following is an entry in ClinVar:

ClinVar aggregate classification (germline): Uncertain significance (1 of 4 stars; one submission).

Submission:

Labcorp Genetics (formerly Invitae), Labcorp
Classification: Uncertain significance. Last evaluated: 2024-03-06. Review status: criteria provided, single submitter. Criteria: Invitae Variant Classification Sherloc (09022015). Collection method: clinical testing. Allele origin: germline.
Comment: This sequence change replaces serine, which is neutral and polar, with threonine, which is neutral and polar, at codon 537 of the GSN protein (p.Ser537Thr). This variant is not present in population databases (gnomAD no frequency). This variant has not been reported in the literature in individuals affected with GSN-related conditions. Advanced modeling of protein sequence and biophysical properties (such as structural, functional, and spatial information, amino acid conservation, physicochemical variation, residue mobility, and thermodynamic stability) performed at Invitae indicates that this missense variant is not expected to disrupt GSN protein function with a negative predictive value of 80%. In summary, the available evidence is currently insufficient to determine the role of this variant in disease. Therefore, it has been classified as a Variant of Uncertain Significance.

NM_198252.3(GSN):c.1457G>C (p.Ser486Thr)

Gene: GSN (gelsolin; plus strand). Cytogenetic location: 9q33.2.
Variant type: single nucleotide variant.
Coding change: c.1457G>C on transcript NM_198252.3 (MANE Select); coding-DNA position 1457, G replaced by C.
Protein change: p.Ser486Thr; replaces serine 486 with threonine.
Molecular consequence: missense variant.
Genome position (GRCh38, 1-based): chr9:121,326,552, G>C. VCF-style: chr9-121326552-G-C. GRCh37 (hg19) VCF-style: chr9-124088830-G-C.
Other names: c.1610G>C, p.Ser537Thr (NM_000177.5); c.1457G>C, p.Ser486Thr (NM_001127662.2, NM_001127664.2, NM_001127665.2 and 10 more transcripts); c.1565G>C, p.Ser522Thr (NM_001127663.2); c.1490G>C, p.Ser497Thr (NM_001127666.2, NM_001127667.2, NM_001353063.2 and 13 more transcripts); c.1508G>C, p.Ser503Thr (NM_001258029.2); c.1481G>C, p.Ser494Thr (NM_001258030.2); c.803G>C, p.Ser268Thr (NM_001353078.2); c.1529G>C, p.Ser510Thr (NM_001353076.2); short protein forms S497T, S486T, S510T, S268T, S494T, S522T, S503T, S537T.
Identifiers: ClinVar variation 3642302 (VCV003642302.2).
Genomic context (GRCh38, chr9:121,326,552, plus strand): 5'-CTCTCCTGTCTCCCTGCCAGAGCCGTGTGGTCCAAGGCAAGGAGCCCGCCCACCTCATGA[G>C]CCTGTTTGGTGGGAAGCCCATGATCATCTACAAGGGCGGCACCTCCCGCGAGGGCGGGCA-3'
Protein context (NP_937895.1, residues 476-496): VQGKEPAHLM[Ser486Thr]LFGGKPMIIY